The following is an entry in ClinVar:

NM_001374353.1(GLI2):c.535C>T (p.Gln179Ter)

Gene: GLI2 (GLI family zinc finger 2; plus strand). Cytogenetic location: 2q14.2.
Variant type: single nucleotide variant.
Coding change: c.535C>T on transcript NM_001374353.1 (MANE Select); coding-DNA position 535, C replaced by T.
Protein change: p.Gln179Ter; replaces glutamine 179 with a stop codon.
Molecular consequence: nonsense.
Genome position (GRCh38, 1-based): chr2:120,955,322, C>T. VCF-style: chr2-120955322-C-T. GRCh37 (hg19) VCF-style: chr2-121712898-C-T.
Other names: c.535C>T, p.Gln179Ter (NM_001371271.1, NM_005270.5); c.160C>T, p.Gln54Ter (NM_001374354.1); short protein forms Q179*, Q54*.
Identifiers: ClinVar variation 4888404 (VCV004888404.1).

ClinVar aggregate classification (germline): Likely pathogenic (1 of 4 stars; one submission).

Conditions:
Holoprosencephaly 9 (HPE9). Also called: PITUITARY ANOMALIES WITH HOLOPROSENCEPHALY-LIKE FEATURES; HOLOPROSENCEPHALY WITH MICROPHTHALMIA AND FIRST BRANCHIAL ARCH ANOMALIES. Identifiers: Orphanet 2162, MedGen C1835819, MONDO:0012563, OMIM 610829.
Postaxial polydactyly-anterior pituitary anomalies-facial dysmorphism syndrome. Also called: Culler-Jones syndrome. Identifiers: Orphanet 420584, MedGen C4014479, MONDO:0014369, OMIM 615849.

Submission:

New York Genome Center
Classification: Likely pathogenic for Postaxial polydactyly-anterior pituitary anomalies-facial dysmorphism syndrome; Holoprosencephaly 9. Last evaluated: 2023-11-28. Review status: criteria provided, single submitter. Criteria: NYGC Assertion Criteria 2020. Collection method: clinical testing. Allele origin: inherited. Observed: 1 variant allele, 1 heterozygote.
Comment: The inherited heterozygous c.535C>T variant in GLI2 has not previously been reported in the literature or in ClinVar and is absent from population databases such as gnomAD v4.0, suggesting it is not a common benign variant in the populations represented in those databases. The c.535C>T variant in GLI2 is located in exon 5 of this 14-exon gene, predicted to incorporate a premature translation termination codon (p.(Gln179Ter)) and is expected to result in loss-of-function either through protein truncation or nonsense-mediated mRNA decay. Based on available evidence, this inherited heterozygous c.535C>T, p.(Gln179Ter) variant identified in GLI2 is classified as Likely Pathogenic.